The following is an entry in ClinVar:

NM_004706.4(ARHGEF1):c.2002_2019dup (p.Asp673_Leu674insValLeuLeuLeuAspAsp)

Gene: ARHGEF1 (Rho guanine nucleotide exchange factor 1; plus strand). Cytogenetic location: 19q13.2.
Variant type: Duplication.
Coding change: c.2002_2019dup on transcript NM_004706.4 (MANE Select); coding-DNA positions 2002 to 2019, 18 bases duplicated (GTGCTGCTGCTGGACGAC).
Protein change: p.Asp673_Leu674insValLeuLeuLeuAspAsp.
Molecular consequence: inframe insertion. On other transcripts: non-coding transcript variant (2).
Genome position (GRCh38, 1-based): chr19:41,904,224-41,904,241, GTGCTGCTGCTGGACGAC duplicated. VCF-style (leftmost placement, unchanged base first): chr19-41904223-T-TGTGCTGCTGCTGGACGAC. GRCh37 (hg19) VCF-style: chr19-42408375-T-TGTGCTGCTGCTGGACGAC.
Other names: c.2170_2187dup, p.Asp729_Leu730insValLeuLeuLeuAspAsp (NM_001396000.1); c.1903_1920dup, p.Asp640_Leu641insValLeuLeuLeuAspAsp (NM_001396002.1, NM_001396004.1, NM_198977.2); c.2002_2019dup, p.Asp673_Leu674insValLeuLeuLeuAspAsp (NM_001396003.1, NM_001396006.1); c.2047_2064dup, p.Asp688_Leu689insValLeuLeuLeuAspAsp (NM_199002.2).
Identifiers: ClinVar variation 2034144 (VCV002034144.4), dbSNP rs2513907200, ClinGen allele CA2580097318.

ClinVar aggregate classification (germline): Uncertain significance (1 of 4 stars; one submission).

Submission:

Labcorp Genetics (formerly Invitae), Labcorp
Classification: Uncertain significance. Last evaluated: 2022-10-05. Review status: criteria provided, single submitter. Criteria: Invitae Variant Classification Sherloc (09022015). Collection method: clinical testing. Allele origin: germline.
Comment: This variant, c.2047_2064dup, results in the insertion of 6 amino acid(s) of the ARHGEF1 protein (p.Val683_Asp688dup), but otherwise preserves the integrity of the reading frame. This variant is not present in population databases (gnomAD no frequency). In summary, the available evidence is currently insufficient to determine the role of this variant in disease. Therefore, it has been classified as a Variant of Uncertain Significance. Algorithms developed to predict the effect of sequence changes on RNA splicing suggest that this variant may disrupt the consensus splice site. This variant has not been reported in the literature in individuals affected with ARHGEF1-related conditions.